The following is an entry in ClinVar:

ClinVar aggregate classification (germline): Uncertain significance (1 of 4 stars; one submission).

Conditions:
Medium-chain acyl-coenzyme A dehydrogenase deficiency (ACADMD). Also called: Medium chain acyl-CoA dehydrogenase deficiency; MCADH DEFICIENCY; MCADD; ACADM DEFICIENCY; CARNITINE DEFICIENCY SECONDARY TO MEDIUM-CHAIN ACYL-CoA DEHYDROGENASE DEFICIENCY; MCAD Deficiency. Identifiers: Orphanet 42, MedGen C0220710, MONDO:0008721, OMIM 201450.

Submission:

Labcorp Genetics (formerly Invitae), Labcorp
Classification: Uncertain significance for Medium-chain acyl-coenzyme A dehydrogenase deficiency. Last evaluated: 2022-03-14. Review status: criteria provided, single submitter. Criteria: Invitae Variant Classification Sherloc (09022015). Collection method: clinical testing. Allele origin: germline.
Comment: In summary, the available evidence is currently insufficient to determine the role of this variant in disease. Therefore, it has been classified as a Variant of Uncertain Significance. This sequence change replaces arginine, which is basic and polar, with isoleucine, which is neutral and non-polar, at codon 294 of the ACADM protein (p.Arg294Ile). Information on the frequency of this variant in the gnomAD database is not available, as this variant may be reported differently in the database. This variant has not been reported in the literature in individuals affected with ACADM-related conditions. Algorithms developed to predict the effect of missense changes on protein structure and function are either unavailable or do not agree on the potential impact of this missense change (SIFT: "Not Available"; PolyPhen-2: "Probably Damaging"; Align-GVGD: "Not Available"). This variant disrupts the p.Arg294Ile amino acid residue in ACADM. Other variant(s) that disrupt this residue have been determined to be pathogenic (PMID: 15171998, 30675864). This suggests that this residue is clinically significant, and that variants that disrupt this residue are likely to be disease-causing.

Literature cited by the submitters: PubMed 15171998; PubMed 30675864.

NM_000016.6(ACADM):c.881_882delinsTT (p.Arg294Ile)

Gene: ACADM (acyl-CoA dehydrogenase medium chain; plus strand). Cytogenetic location: 1p31.1.
Variant type: Indel.
Coding change: c.881_882delinsTT on transcript NM_000016.6 (MANE Select); coding-DNA positions 881 to 882, GA replaced by TT.
Protein change: p.Arg294Ile; replaces arginine 294 with isoleucine.
Molecular consequence: missense variant.
Genome position (GRCh38, 1-based): chr1:75,750,482-75,750,483, GA replaced by TT. VCF-style: chr1-75750482-GA-TT. GRCh37 (hg19) VCF-style: chr1-76216167-GA-TT.
Other names: c.893_894delinsTT, p.Arg298Ile (NM_001127328.3); c.773_774delinsTT, p.Arg258Ile (NM_001286042.2); c.980_981delinsTT, p.Arg327Ile (NM_001286043.2); c.314_315delinsTT, p.Arg105Ile (NM_001286044.2); short protein forms R258I, R294I, R298I, R327I, R105I.
Identifiers: ClinVar variation 2111953 (VCV002111953.4), dbSNP rs2525652782, ClinGen allele CA2580063246.